The following is an entry in ClinVar:

ClinVar aggregate classification (germline): Uncertain significance. Review status: criteria provided, multiple submitters, no conflicts (2 of 4 stars). 2 submissions from 2 submitters: Uncertain significance (2). Last evaluated 2020-12-31.

Conditions:
ALG3-congenital disorder of glycosylation. Also called: CARBOHYDRATE-DEFICIENT GLYCOPROTEIN SYNDROME, TYPE IV; CDGS, TYPE IV; CONGENITAL DISORDER OF GLYCOSYLATION, TYPE Id; CDG Id; ALG3-CDG. Identifiers: Orphanet 79321, MedGen C1832736, MONDO:0010998, OMIM 601110.

Allele frequency attached by ClinVar (database versions not stated): gnomAD 0.00001; TOPMed 0.00001; ExAC 0.00002; gnomAD exomes 0.00002 and 0.00004; ESP Exome Variant Server 0.00008.
gnomAD v4.1: 61 of 1,613,778 alleles (0.0038%); highest among the groups gnomAD compares: Non-Finnish European, 0.005%; 1 homozygote.

Submissions (2):

Labcorp Genetics (formerly Invitae), Labcorp
Classification: Uncertain significance for ALG3-congenital disorder of glycosylation. Last evaluated: 2020-12-31. Review status: criteria provided, single submitter. Criteria: Invitae Variant Classification Sherloc (09022015). Collection method: clinical testing. Allele origin: germline.
Comment: In summary, the available evidence is currently insufficient to determine the role of this variant in disease. Therefore, it has been classified as a Variant of Uncertain Significance. Algorithms developed to predict the effect of missense changes on protein structure and function (SIFT, PolyPhen-2, Align-GVGD) all suggest that this variant is likely to be tolerated, but these predictions have not been confirmed by published functional studies and their clinical significance is uncertain. This variant has not been reported in the literature in individuals with ALG3-related conditions. This variant is present in population databases (rs377073728, ExAC 0.003%). This sequence change replaces tyrosine with histidine at codon 370 of the ALG3 protein (p.Tyr370His). The tyrosine residue is moderately conserved and there is a moderate physicochemical difference between tyrosine and histidine.

Greenwood Genetic Center Diagnostic Laboratories, Greenwood Genetic Center
Classification: Uncertain significance. Last evaluated: 2020-10-19. Review status: criteria provided, single submitter. Criteria: ACMG Guidelines, 2015. Collection method: clinical testing. Allele origin: germline. Affected: yes.

NM_005787.6(ALG3):c.1108T>C (p.Tyr370His)

Gene: ALG3 (ALG3 alpha-1,3- mannosyltransferase; minus strand). Cytogenetic location: 3q27.1.
Variant type: single nucleotide variant.
Coding change: c.1108T>C on transcript NM_005787.6 (MANE Select); coding-DNA position 1108, T replaced by C.
Protein change: p.Tyr370His; replaces tyrosine 370 with histidine.
Molecular consequence: missense variant. On other transcripts: non-coding transcript variant (2).
Genome position (GRCh38, 1-based): chr3:184,242,859, A>G on the plus strand (T>C on the coding strand, the complement: ALG3 is on the minus strand). VCF-style: chr3-184242859-A-G. GRCh37 (hg19) VCF-style: chr3-183960647-A-G.
Other names: c.964T>C, p.Tyr322His (NM_001006941.2); short protein forms Y322H, Y370H.
Identifiers: ClinVar variation 992319 (VCV000992319.8), dbSNP rs377073728, ClinGen allele CA2729319.
Genomic context (GRCh38, chr3:184,242,859, plus strand): 5'-GTCCCAGCTGGTACCTGAGCAGGTGTGTGAGCCAGCGTGCAGGCATGGCCCACAGGAGGT[A>G]GGGCAGTGTGTGGAAATACCAGACGTAGAACTGGTAGTGGAGGGAGCGGCTGAAGCAGAT-3'
Protein context (NP_005778.1, residues 360-380): FYVWYFHTLP[Tyr370His]LLWAMPARWL